The following is an entry in ClinVar:

NM_000284.4(PDHA1):c.680A>G (p.Tyr227Cys)

Gene: PDHA1 (pyruvate dehydrogenase E1 subunit alpha 1; plus strand). Cytogenetic location: Xp22.12.
Variant type: single nucleotide variant.
Coding change: c.680A>G on transcript NM_000284.4 (MANE Select); coding-DNA position 680, A replaced by G.
Protein change: p.Tyr227Cys; replaces tyrosine 227 with cysteine.
Molecular consequence: missense variant.
Genome position (GRCh38, 1-based): chrX:19,355,425, A>G. VCF-style: chrX-19355425-A-G. GRCh37 (hg19) VCF-style: chrX-19373543-A-G.
Other names: c.794A>G, p.Tyr265Cys (NM_001173454.2); c.701A>G, p.Tyr234Cys (NM_001173455.2); c.587A>G, p.Tyr196Cys (NM_001173456.2); short protein forms Y196C, Y227C, Y234C, Y265C.
Identifiers: ClinVar variation 4070356 (VCV004070356.1).

ClinVar aggregate classification (germline): Likely pathogenic (0 of 4 stars; one submission).

Conditions:
Pyruvate dehydrogenase E1-alpha deficiency (PDHAD). Also called: ATAXIA, INTERMITTENT, WITH PYRUVATE DEHYDROGENASE DEFICIENCY; ATAXIA WITH LACTIC ACIDOSIS I; ATAXIA, INTERMITTENT, WITH ABNORMAL PYRUVATE METABOLISM; Ataxia, intermittent, with pyruvate dehydrogenase, or decarboxylase, deficiency. Identifiers: Orphanet 79243, MedGen C1839413, MONDO:0010717, OMIM 312170.

Submission:

PDHA1 Study Group, University Children’s Hospital, Paracelsus Medical University
Classification: Likely pathogenic for Pyruvate dehydrogenase E1-alpha deficiency. Last evaluated: 2024-10-15. Review status: no assertion criteria provided. Collection method: research. Allele origin: germline. Affected: yes. Observed: 1 variant allele.
Comment: The NM_000284.3:c.680A>G (p.Tyr227Cys) substitution is a missense variant in PDHA1 gene. The variant has been reported in 1 published case (PMIDs: 21723463). Last literature search: July 12, 2024. This variant is absent or extremely rare in population-based cohorts in the Genome Aggregation Database (gnomAD). Individuals harboring this variant presented with clinical features compatible with PDHA1-related PDHc deficiency. In summary, this variant meets criteria to be classified as likely pathogenic (LP) for PDHA1-related PDHc deficiency based on the ACMG/AMP criteria applied: PM1, PM2, PM5, PP3 (last assessment October 15, 2024).

Literature cited by the submitters: PubMed 21723463; DOI 10.1093/brain/awaf430.